The following is an entry in ClinVar:

ClinVar aggregate classification (germline): Pathogenic (1 of 4 stars; one submission).

Conditions:
Inborn genetic diseases. Identifiers: MedGen C0950123, MeSH D030342.

Submissions (4):

Ambry Genetics
Classification: Pathogenic for Inborn genetic diseases. Last evaluated: 2024-07-16. Review status: criteria provided, single submitter. Criteria: Ambry Variant Classification Scheme 2023. Collection method: clinical testing. Allele origin: germline.
Comment: The c.1459G>T (p.G487*) alteration, located in exon 14 (coding exon 14) of the PHKA2 gene, consists of a G to T substitution at nucleotide position 1459. This changes the amino acid from a glycine (G) to a stop codon at amino acid position 487. This alteration is expected to result in loss of function by premature protein truncation or nonsense-mediated mRNA decay. This variant was not reported in population-based cohorts in the Genome Aggregation Database (gnomAD). Based on the available evidence, this alteration is classified as pathogenic.

Dr. Peter K. Rogan Lab, Western University
No classification provided (evidence only). Condition: Thyroid cancer, nonmedullary, 1. Review status: no classification provided. Collection method: in vitro. Allele origin: not applicable. Functional consequence: retained intron. Not counted in ClinVar's aggregate classification.

Dr. Peter K. Rogan Lab, Western University
No classification provided (evidence only). Condition: Thyroid cancer, nonmedullary, 1. Review status: no classification provided. Collection method: in vitro. Allele origin: not applicable. Functional consequence: retained intron. Not counted in ClinVar's aggregate classification.

Dr. Peter K. Rogan Lab, Western University
No classification provided (evidence only). Condition: Thyroid cancer, nonmedullary, 1. Review status: no classification provided. Collection method: in vitro. Allele origin: not applicable. Functional consequence: retained intron. Not counted in ClinVar's aggregate classification.

NM_000292.3(PHKA2):c.1459G>T (p.Gly487Ter)

Gene: PHKA2 (phosphorylase kinase regulatory subunit alpha 2; minus strand). Cytogenetic location: Xp22.13.
Variant type: single nucleotide variant.
Coding change: c.1459G>T on transcript NM_000292.3 (MANE Select); coding-DNA position 1459, G replaced by T.
Protein change: p.Gly487Ter; replaces glycine 487 with a stop codon.
Molecular consequence: nonsense.
Genome position (GRCh38, 1-based): chrX:18,926,453, C>A on the plus strand (G>T on the coding strand, the complement: PHKA2 is on the minus strand). VCF-style: chrX-18926453-C-A. GRCh37 (hg19) VCF-style: chrX-18944571-C-A.
Other names: NC_000023.10:g.18944571C>A; short protein forms G487*.
Identifiers: ClinVar variation 3417750 (VCV003417750.2).
Genomic context (GRCh38, chrX:18,926,453, plus strand): 5'-CAAATCTAGAACCGAGATGCCCCCATGCCAAAAAGGCCCAGGTAATTTCCCCAAACCTAC[C>A]AAGCTTGGCATATATGTGACTAAGAATCCGGCCCGGCTGGACTTGAATTGGATGAATGTC-3'